The following is an entry in ClinVar:

ClinVar aggregate classification (germline): Benign/Likely benign. Review status: criteria provided, multiple submitters, no conflicts (2 of 4 stars). 5 submissions from 5 submitters: Benign (2); Likely benign (3). Last evaluated 2025-10-20.

Allele frequency attached by ClinVar (database versions not stated): gnomAD exomes 0.00037 and 0.00064; ExAC 0.00126; 1000 Genomes Project 0.00339; ESP Exome Variant Server 0.00355; 1000 Genomes Project 30x 0.00359; gnomAD 0.00388 and 0.00427; TOPMed 0.00458.
gnomAD v4.1: 1,142 of 1,561,416 alleles (0.073%); highest among the groups gnomAD compares: African/African-American, 1.4%; 10 homozygotes.

Submissions (5):

Labcorp Genetics (formerly Invitae), Labcorp
Classification: Benign. Last evaluated: 2025-10-20. Review status: criteria provided, single submitter. Criteria: Invitae Variant Classification Sherloc (09022015). Collection method: clinical testing. Allele origin: germline.

Blueprint Genetics
Classification: Likely benign. Last evaluated: 2024-10-09. Review status: criteria provided, single submitter. Criteria: ACMG Guidelines, 2015. Collection method: clinical testing. Allele origin: germline.

CeGaT Center for Human Genetics Tuebingen
Classification: Benign. Last evaluated: 2023-08-01. Review status: criteria provided, single submitter. Criteria: CeGaT Center For Human Genetics Tuebingen Variant Classification Criteria Version 2. Collection method: clinical testing. Allele origin: germline. Affected: yes. Observed: 2 variant alleles.
Comment: CACNA1G: BP4, BP7, BS1, BS2

GeneDx
Classification: Likely benign. Last evaluated: 2021-03-30. Review status: criteria provided, single submitter. Criteria: GeneDx Variant Classification Process June 2021. Collection method: clinical testing. Allele origin: germline. Affected: yes.

Breakthrough Genomics
Classification: Likely benign. Review status: criteria provided, single submitter. Criteria: ACMG Guidelines, 2015. Collection method: not provided. Allele origin: germline. Inheritance: Autosomal dominant inheritance. Affected: yes.

NM_018896.5(CACNA1G):c.1362C>T (p.Val454=)

Gene: CACNA1G (calcium voltage-gated channel subunit alpha1 G; plus strand). Cytogenetic location: 17q21.33.
Variant type: single nucleotide variant.
Coding change: c.1362C>T on transcript NM_018896.5 (MANE Select); coding-DNA position 1362, C replaced by T.
Protein change: p.Val454=; no amino-acid change (valine 454 retained).
Molecular consequence: synonymous variant. On other transcripts: non-coding transcript variant (5).
Genome position (GRCh38, 1-based): chr17:50,575,764, C>T. VCF-style: chr17-50575764-C-T. GRCh37 (hg19) VCF-style: chr17-48653125-C-T.
Other names: c.1362C>T, p.Val454= (NM_001256324.2, NM_001256325.2, NM_001256326.2 and 24 more transcripts).
Identifiers: ClinVar variation 786320 (VCV000786320.36), dbSNP rs116227985, ClinGen allele CA8652161.